The following is an entry in ClinVar:

ClinVar aggregate classification (germline): Likely benign (0 of 4 stars; one submission).

Conditions:
INTS1-related disorder. Also called: INTS1-related condition.

Allele frequency attached by ClinVar (database versions not stated): gnomAD 0.00004; TOPMed 0.00006; gnomAD exomes 0.00007; ExAC 0.00020.
gnomAD v4.1: 117 of 1,612,274 alleles (0.0073%); highest among the groups gnomAD compares: Middle Eastern, 0.17%; 1 homozygote.

Submission:

PreventionGenetics, part of Exact Sciences
Classification: Likely benign for INTS1-related condition. Last evaluated: 2019-06-13. Review status: no assertion criteria provided. Collection method: clinical testing. Allele origin: germline.
Comment: This variant is classified as likely benign based on ACMG/AMP sequence variant interpretation guidelines (Richards et al. 2015 PMID: 25741868, with internal and published modifications).

NM_001080453.3(INTS1):c.4803G>A (p.Ala1601=)

Gene: INTS1 (integrator complex subunit 1; minus strand). Cytogenetic location: 7p22.3.
Variant type: single nucleotide variant.
Coding change: c.4803G>A on transcript NM_001080453.3 (MANE Select); coding-DNA position 4803, G replaced by A.
Protein change: p.Ala1601=; no amino-acid change (alanine 1601 retained).
Molecular consequence: synonymous variant.
Genome position (GRCh38, 1-based): chr7:1,477,764, C>T on the plus strand (G>A on the coding strand, the complement: INTS1 is on the minus strand). VCF-style: chr7-1477764-C-T. GRCh37 (hg19) VCF-style: chr7-1517400-C-T.
Other names: c.1320G>A, p.Ala440= (NM_015674.1).
Identifiers: ClinVar variation 3034187 (VCV003034187.2), dbSNP rs780312974, ClinGen allele CA4118705.